The following is an entry in ClinVar:

NM_004706.4(ARHGEF1):c.1153C>T (p.Arg385Trp)

Gene: ARHGEF1 (Rho guanine nucleotide exchange factor 1; plus strand). Cytogenetic location: 19q13.2.
Variant type: single nucleotide variant.
Coding change: c.1153C>T on transcript NM_004706.4 (MANE Select); coding-DNA position 1153, C replaced by T.
Protein change: p.Arg385Trp; replaces arginine 385 with tryptophan.
Molecular consequence: missense variant.
Genome position (GRCh38, 1-based): chr19:41,898,473, C>T. VCF-style: chr19-41898473-C-T. GRCh37 (hg19) VCF-style: chr19-42402622-C-T.
Other names: c.1054C>T, p.Arg352Trp (NM_198977.2); c.1198C>T, p.Arg400Trp (NM_199002.2); c.1198C>T (NM_199002.1); short protein forms R352W, R400W, R385W.
Identifiers: ClinVar variation 1408549 (VCV001408549.10), dbSNP rs1269899884, ClinGen allele CA406058129.
Genomic context (GRCh38, chr19:41,898,473, plus strand): 5'-TGGGGCCCTAACAAGGCCTCTGTCCACAGCCCCGAGCCTGGAGATGAGGGGGAGCCGGGG[C>T]GGTCGGGACTGGAGCTTGAACCAGAAGAGCCTCCCGGCTGGCGGGAACTCGTCCCCCCAG-3'
Protein context (NP_004697.2, residues 375-395): PEPGDEGEPG[Arg385Trp]SGLELEPEEP

ClinVar aggregate classification (germline): Uncertain significance. Review status: criteria provided, multiple submitters, no conflicts (2 of 4 stars). 3 submissions from 3 submitters: Uncertain significance (3). Last evaluated 2025-07-20.

Allele frequency attached by ClinVar (database versions not stated): gnomAD 0.00001; TOPMed 0.00005.
gnomAD v4.1: 30 of 1,548,364 alleles (0.0019%); highest among the groups gnomAD compares: Non-Finnish European, 0.0024%; no homozygotes.

Submissions (3):

Labcorp Genetics (formerly Invitae), Labcorp
Classification: Uncertain significance. Last evaluated: 2025-07-20. Review status: criteria provided, single submitter. Criteria: Invitae Variant Classification Sherloc (09022015). Collection method: clinical testing. Allele origin: germline.
Comment: This sequence change replaces arginine, which is basic and polar, with tryptophan, which is neutral and slightly polar, at codon 400 of the ARHGEF1 protein (p.Arg400Trp). This variant is present in population databases (no rsID available, gnomAD 0.006%). This variant has not been reported in the literature in individuals affected with ARHGEF1-related conditions. ClinVar contains an entry for this variant (Variation ID: 1408549). An algorithm developed to predict the effect of missense changes on protein structure and function (PolyPhen-2) suggests that this variant is likely to be disruptive. In summary, the available evidence is currently insufficient to determine the role of this variant in disease. Therefore, it has been classified as a Variant of Uncertain Significance.

Blueprint Genetics
Classification: Uncertain significance. Last evaluated: 2024-08-28. Review status: criteria provided, single submitter. Criteria: ACMG Guidelines, 2015. Collection method: clinical testing. Allele origin: germline.

Ambry Genetics
Classification: Uncertain significance. Last evaluated: 2022-08-26. Review status: criteria provided, single submitter. Criteria: Ambry Variant Classification Scheme 2023. Collection method: clinical testing. Allele origin: germline.